The following is an entry in ClinVar:

ClinVar aggregate classification (germline): Uncertain significance (1 of 4 stars; one submission).

gnomAD v4.1: 59 of 1,614,090 alleles (0.0037%); highest among the groups gnomAD compares: South Asian, 0.064%; 1 homozygote.

Submission:

Labcorp Genetics (formerly Invitae), Labcorp
Classification: Uncertain significance. Last evaluated: 2024-07-20. Review status: criteria provided, single submitter. Criteria: Invitae Variant Classification Sherloc (09022015). Collection method: clinical testing. Allele origin: germline.
Comment: This sequence change replaces cysteine, which is neutral and slightly polar, with tyrosine, which is neutral and polar, at codon 2593 of the FBN3 protein (p.Cys2593Tyr). This variant is present in population databases (rs749745225, gnomAD 0.06%), and has an allele count higher than expected for a pathogenic variant. This variant has not been reported in the literature in individuals affected with FBN3-related conditions. Advanced modeling of protein sequence and biophysical properties (such as structural, functional, and spatial information, amino acid conservation, physicochemical variation, residue mobility, and thermodynamic stability) has been performed at Invitae for this missense variant, however the output from this modeling did not meet the statistical confidence thresholds required to predict the impact of this variant on FBN3 protein function. In summary, the available evidence is currently insufficient to determine the role of this variant in disease. Therefore, it has been classified as a Variant of Uncertain Significance.

NM_032447.5(FBN3):c.7778G>A (p.Cys2593Tyr)

Gene: FBN3 (fibrillin 3; minus strand). Cytogenetic location: 19p13.2.
Variant type: single nucleotide variant.
Coding change: c.7778G>A on transcript NM_032447.5 (MANE Select); coding-DNA position 7778, G replaced by A.
Protein change: p.Cys2593Tyr; replaces cysteine 2593 with tyrosine.
Molecular consequence: missense variant.
Genome position (GRCh38, 1-based): chr19:8,073,222, C>T on the plus strand (G>A on the coding strand, the complement: FBN3 is on the minus strand). VCF-style: chr19-8073222-C-T. GRCh37 (hg19) VCF-style: chr19-8138106-C-T.
Other names: c.7778G>A, p.Cys2593Tyr (NM_001321431.2); short protein forms C2593Y.
Identifiers: ClinVar variation 3618958 (VCV003618958.2).
Genomic context (GRCh38, chr19:8,073,222, plus strand): 5'-TCATCCACCTCCTGGCAGCCCCCGAGGGCCTGATCAAAGTCAAAGCCAGAGGGGCAGACG[C>T]AGCGGAAGCCACCAAGAGTGTTGCGACAGGAGGCGCTCCCGCAGGTGGGGGGCGACAGGG-3'
Protein context (NP_115823.3, residues 2583-2603): SCRNTLGGFR[Cys2593Tyr]VCPSGFDFDQ